The following is an entry in ClinVar:

ClinVar aggregate classification (germline): Likely benign. Review status: criteria provided, multiple submitters, no conflicts (2 of 4 stars). 2 submissions from 2 submitters: Likely benign (2). Last evaluated 2024-03-13.

Conditions:
Malignant hyperthermia, susceptibility to, 1 (MHS1). Also called: Malignant hyperthermia suceptibility 1; Anesthesia related hyperthermia; Malignant hyperpyrexia; Fulminating hyperpyrexia; Pharmacogenic myopathy; RYR1-Related Malignant Hyperthermia Susceptibility. Identifiers: Orphanet 423, MedGen C2930980, MONDO:0007783, OMIM 145600.
RYR1-related disorder. Also called: RYR1-related condition; RYR1-related disorders. Identifiers: MedGen CN239331.

Allele frequency attached by ClinVar (database versions not stated): gnomAD exomes 0.00001; ExAC 0.00002.
gnomAD v4.1: 7 of 1,598,324 alleles (0.00044%); highest among the groups gnomAD compares: East Asian, 0.0045%; no homozygotes.

Submissions (2):

Labcorp Genetics (formerly Invitae), Labcorp
Classification: Likely benign for RYR1-related disorder. Last evaluated: 2024-03-13. Review status: criteria provided, single submitter. Criteria: Invitae Variant Classification Sherloc (09022015). Collection method: clinical testing. Allele origin: germline.

All of Us Research Program, National Institutes of Health
Classification: Likely benign for Malignant hyperthermia, susceptibility to, 1. Last evaluated: 2023-10-23. Review status: criteria provided, single submitter. Criteria: ACMG Guidelines, 2015. Collection method: clinical testing. Allele origin: germline. Inheritance: Autosomal dominant inheritance. Observed: 4 variant alleles, 4 heterozygotes.
Comment: This study involves interpretation of variants in research participants for the purpose of population health screening. Participant phenotype was not available at the time of variant classification. Additional details can be found in publication PMID: 35346344, PMCID: PMC8962531

NM_000540.3(RYR1):c.6021T>C (p.Asn2007=)

Gene: RYR1 (ryanodine receptor 1; plus strand). Cytogenetic location: 19q13.2.
Variant type: single nucleotide variant.
Coding change: c.6021T>C on transcript NM_000540.3 (MANE Select); coding-DNA position 6021, T replaced by C.
Protein change: p.Asn2007=; no amino-acid change (asparagine 2007 retained).
Molecular consequence: synonymous variant.
Genome position (GRCh38, 1-based): chr19:38,490,626, T>C. VCF-style: chr19-38490626-T-C. GRCh37 (hg19) VCF-style: chr19-38981266-T-C.
Other names: c.6021T>C, p.Asn2007= (NM_001042723.2).
Identifiers: ClinVar variation 2705251 (VCV002705251.4), dbSNP rs765135078, ClinGen allele CA067689.
Genomic context (GRCh38, chr19:38,490,626, plus strand): 5'-AGAGTTCCTGCTTTGGGATCTCAGACCCTCATTCTAATCTTTGACCTTCCCCTAGATCAA[T>C]ATGCTATTGCAATTCAAAGATGGTACAGATGAGGAAGACTGTCCTCTCCCTGAAGAGATT-3'
Protein context (NP_000531.2, residues 1997-2017): EFRSPPQEQI[Asn2007=]MLLQFKDGTD